The following is an entry in ClinVar:

ClinVar aggregate classification (germline): Uncertain significance. Review status: criteria provided, multiple submitters, no conflicts (2 of 4 stars). 3 submissions from 3 submitters: Uncertain significance (2). 1 of the submissions does not count toward it. Last evaluated 2025-09-16.

Conditions:
TMPRSS3-related disorder. Also called: TMPRSS3-related condition.

Allele frequency attached by ClinVar (database versions not stated): ExAC 0.00001; gnomAD exomes 0.00001; ESP Exome Variant Server 0.00008.
gnomAD v4.1: 15 of 1,614,262 alleles (0.00093%); highest among the groups gnomAD compares: African/African-American, 0.0067%; no homozygotes.

Submissions (3):

GeneDx
Classification: Uncertain significance. Last evaluated: 2025-09-16. Review status: criteria provided, single submitter. Criteria: GeneDx Variant Classification Process June 2021. Collection method: clinical testing. Allele origin: germline. Affected: yes.
Comment: Not observed at significant frequency in large population cohorts (gnomAD); In silico analysis suggests that this variant does not alter splicing; Has not been previously published as pathogenic or benign to our knowledge

Laboratory for Molecular Medicine, Mass General Brigham Personalized Medicine
Classification: Uncertain significance. Last evaluated: 2014-07-14. Review status: criteria provided, single submitter. Criteria: LMM Criteria. Collection method: clinical testing. Allele origin: germline. Observed: 1 variant allele.
Comment: The 446+4A>T variant in TMPRSS3 gene has not been previously reported in individ uals with hearing loss, but has been identified in 1/8600 European American chro mosomes by the NHLBI Exome Sequencing Project (dbS NP rs376253981). This variant is located within the 5' splice consensus. Comput ational tools do not suggest an impact to splicing, though this information is n ot predictive enough to rule out pathogenicity. In summary, additional informati on is needed to fully assess the clinical significance of this variant.

PreventionGenetics, part of Exact Sciences
Classification: Likely benign for TMPRSS3-related condition. Last evaluated: 2019-07-30. Review status: no assertion criteria provided. Collection method: clinical testing. Allele origin: germline. Not counted in ClinVar's aggregate classification.
Comment: This variant is classified as likely benign based on ACMG/AMP sequence variant interpretation guidelines (Richards et al. 2015 PMID: 25741868, with internal and published modifications).

NM_001256317.3(TMPRSS3):c.446+4A>T

Gene: TMPRSS3 (transmembrane serine protease 3; minus strand). Cytogenetic location: 21q22.3.
Variant type: single nucleotide variant.
Coding change: c.446+4A>T on transcript NM_001256317.3 (MANE Select); 4 bases into the intron after coding-DNA position 446, A replaced by T.
Molecular consequence: intron variant.
Genome position (GRCh38, 1-based): chr21:42,388,399, T>A on the plus strand (A>T on the coding strand, the complement: TMPRSS3 is on the minus strand). VCF-style: chr21-42388399-T-A. GRCh37 (hg19) VCF-style: chr21-43808508-T-A.
Other names: c.446+4A>T (NM_024022.4, NM_032405.2); c.65+4A>T (NM_032404.3).
Identifiers: ClinVar variation 178551 (VCV000178551.8), dbSNP rs376253981, ClinGen allele CA182541.